The following is an entry in ClinVar:

ClinVar aggregate classification (germline): Likely benign. Review status: criteria provided, single submitter (1 of 4 stars). 2 submissions from 1 submitter: Likely benign (2). Last evaluated 2017-04-27.

Conditions:
Isolated microphthalmia 2. Identifiers: Orphanet 2542, MedGen C1864720, MONDO:0012409, OMIM 610093.
Microphthalmia, isolated, with coloboma 3 (MCOPCB3). Also called: MICROPHTHALMIA/COLOBOMA 3; MICROPHTHALMIA, COLOBOMATOUS, 3. Identifiers: Orphanet 98938, MedGen C1864721, MONDO:0012408, OMIM 610092.

Allele frequency attached by ClinVar (database versions not stated): 1000 Genomes Project 0.02556; gnomAD 0.02759 and 0.02557; TOPMed 0.02825; 1000 Genomes Project 30x 0.02873.

Submissions (2):

Illumina Laboratory Services, Illumina
Classification: Likely benign for Isolated microphthalmia 2. Last evaluated: 2017-04-27. Review status: criteria provided, single submitter. Criteria: ICSL Variant Classification Criteria 13 December 2019. Collection method: clinical testing. Allele origin: germline.
Comment: This variant was observed as part of a predisposition screen in an ostensibly healthy population. A literature search was performed for the gene, cDNA change, and amino acid change (where applicable). No publications were found based on this search. Allele frequency data from public databases allowed determination this variant is unlikely to cause disease. Therefore, this variant is classified as likely benign.

Illumina Laboratory Services, Illumina
Classification: Likely benign for Microphthalmia, isolated, with coloboma 3. Last evaluated: 2017-04-27. Review status: criteria provided, single submitter. Criteria: ICSL Variant Classification Criteria 13 December 2019. Collection method: clinical testing. Allele origin: germline.
Comment: the same text as in the submission from Illumina Laboratory Services, Illumina above.

NM_182894.3(VSX2):c.*1803A>C

Gene: VSX2 (visual system homeobox 2; plus strand). Cytogenetic location: 14q24.3.
Variant type: single nucleotide variant.
Coding change: c.*1803A>C on transcript NM_182894.3 (MANE Select); 1803 bases downstream of the stop codon, A replaced by C.
Molecular consequence: 3 prime UTR variant.
Genome position (GRCh38, 1-based): chr14:74,262,722, A>C. VCF-style: chr14-74262722-A-C. GRCh37 (hg19) VCF-style: chr14-74729425-A-C.
Identifiers: ClinVar variation 314234 (VCV000314234.5), dbSNP rs11848458, ClinGen allele CA10644859.
Genomic context (GRCh38, chr14:74,262,722, plus strand): 5'-TCTAGGTATTCGAAACCTGTGATTTCTGTGCCATTTTCTGTAAAGATACAAGTAAGAATA[A>C]AATTGACTTAAAAATAGTAGGGGAGAAATCCAGGAGTCCACTGTGGGTGGGGAATGGTTT-3'